The following is an entry in ClinVar:

ClinVar aggregate classification (germline): Uncertain significance (1 of 4 stars; one submission).

Allele frequency attached by ClinVar (database versions not stated): gnomAD exomes below 0.00001 and 0.00001; TOPMed below 0.00001; ExAC 0.00001; gnomAD 0.00001.
gnomAD v4.1: 8 of 1,613,570 alleles (0.0005%); highest among the groups gnomAD compares: South Asian, 0.0044%; no homozygotes.

Submission:

Labcorp Genetics (formerly Invitae), Labcorp
Classification: Uncertain significance. Last evaluated: 2021-09-24. Review status: criteria provided, single submitter. Criteria: Invitae Variant Classification Sherloc (09022015). Collection method: clinical testing. Allele origin: germline.
Comment: This sequence change replaces arginine with tryptophan at codon 3313 of the PCLO protein (p.Arg3313Trp). The arginine residue is moderately conserved and there is a moderate physicochemical difference between arginine and tryptophan. This variant is present in population databases (rs758970673, ExAC 0.006%). This variant has not been reported in the literature in individuals with PCLO-related conditions. Algorithms developed to predict the effect of missense changes on protein structure and function are either unavailable or do not agree on the potential impact of this missense change (SIFT: "Deleterious"; PolyPhen-2: "Not Available"; Align-GVGD: "Class C0"). In summary, the available evidence is currently insufficient to determine the role of this variant in disease. Therefore, it has been classified as a Variant of Uncertain Significance.

NM_033026.6(PCLO):c.9937C>T (p.Arg3313Trp)

Gene: PCLO (piccolo presynaptic cytomatrix protein; minus strand). Cytogenetic location: 7q21.11.
Variant type: single nucleotide variant.
Coding change: c.9937C>T on transcript NM_033026.6 (MANE Select); coding-DNA position 9937, C replaced by T.
Protein change: p.Arg3313Trp; replaces arginine 3313 with tryptophan.
Molecular consequence: missense variant.
Genome position (GRCh38, 1-based): chr7:82,950,651, G>A on the plus strand (C>T on the coding strand, the complement: PCLO is on the minus strand). VCF-style: chr7-82950651-G-A. GRCh37 (hg19) VCF-style: chr7-82579967-G-A.
Other names: c.9937C>T, p.Arg3313Trp (NM_014510.3); short protein forms R3313W.
Identifiers: ClinVar variation 1369008 (VCV001369008.5), dbSNP rs758970673, ClinGen allele CA4319823.